The following is an entry in ClinVar:

NM_001375567.1(FOCAD):c.1357T>G (p.Phe453Val)

Gene: FOCAD (focadhesin; plus strand). Cytogenetic location: 9p21.3.
Variant type: single nucleotide variant.
Coding change: c.1357T>G on transcript NM_001375567.1 (MANE Select); coding-DNA position 1357, T replaced by G.
Protein change: p.Phe453Val; replaces phenylalanine 453 with valine.
Molecular consequence: missense variant.
Genome position (GRCh38, 1-based): chr9:20,789,510, T>G. VCF-style: chr9-20789510-T-G. GRCh37 (hg19) VCF-style: chr9-20789509-T-G.
Other names: c.1357T>G (NM_017794.3); c.1357T>G, p.Phe453Val (NM_001375568.1, NM_017794.5); c.1252T>G, p.Phe418Val (NM_001375570.1); short protein forms F418V, F453V.
Identifiers: ClinVar variation 3642065 (VCV003642065.3).
Genomic context (GRCh38, chr9:20,789,510, plus strand): 5'-GACTGGTTGGCTTCAGTAGAGTCATTGCTTCCTATTACTGCTGTGATCCCTGCGCCTGCC[T>G]TTCTTCTGCTGGCTCACCTCCTTGTTGAAGACAAAGGACAAAATCTTCACCAAATACTCA-3'
Protein context (NP_001362496.1, residues 443-463): PITAVIPAPA[Phe453Val]LLLAHLLVED

ClinVar aggregate classification (germline): Uncertain significance. Review status: criteria provided, multiple submitters, no conflicts (2 of 4 stars). 2 submissions from 2 submitters: Uncertain significance (2). Last evaluated 2025-08-29.

Conditions:
Inborn genetic diseases. Identifiers: MedGen C0950123, MeSH D030342.

gnomAD v4.1: 18 of 1,613,868 alleles (0.0011%); highest among the groups gnomAD compares: Admixed American, 0.03%; no homozygotes.

Submissions (2):

Ambry Genetics
Classification: Uncertain significance for Inborn genetic diseases. Last evaluated: 2025-08-29. Review status: criteria provided, single submitter. Criteria: Ambry Variant Classification Scheme 2023. Collection method: clinical testing. Allele origin: germline.

Labcorp Genetics (formerly Invitae), Labcorp
Classification: Uncertain significance. Last evaluated: 2024-05-10. Review status: criteria provided, single submitter. Criteria: Invitae Variant Classification Sherloc (09022015). Collection method: clinical testing. Allele origin: germline.
Comment: This sequence change replaces phenylalanine, which is neutral and non-polar, with valine, which is neutral and non-polar, at codon 453 of the FOCAD protein (p.Phe453Val). This variant is present in population databases (rs769536029, gnomAD 0.04%). This variant has not been reported in the literature in individuals affected with FOCAD-related conditions. In summary, the available evidence is currently insufficient to determine the role of this variant in disease. Therefore, it has been classified as a Variant of Uncertain Significance.